The following is an entry in ClinVar:

NM_001852.4(COL9A2):c.325C>T (p.Pro109Ser)

Gene: COL9A2 (collagen type IX alpha 2 chain; minus strand). Cytogenetic location: 1p34.2.
Variant type: single nucleotide variant.
Coding change: c.325C>T on transcript NM_001852.4 (MANE Select); coding-DNA position 325, C replaced by T.
Protein change: p.Pro109Ser; replaces proline 109 with serine.
Molecular consequence: missense variant.
Genome position (GRCh38, 1-based): chr1:40,312,588, G>A on the plus strand (C>T on the coding strand, the complement: COL9A2 is on the minus strand). VCF-style: chr1-40312588-G-A. GRCh37 (hg19) VCF-style: chr1-40778260-G-A.
Other names: short protein forms P109S.
Identifiers: ClinVar variation 4769811 (VCV004769811.1).

ClinVar aggregate classification (germline): Uncertain significance (1 of 4 stars; one submission).

gnomAD v4.1: 2 of 1,613,974 alleles (0.00012%); highest among the groups gnomAD compares: Non-Finnish European, 0.00017%; no homozygotes.

Submission:

Labcorp Genetics (formerly Invitae), Labcorp
Classification: Uncertain significance. Last evaluated: 2025-08-27. Review status: criteria provided, single submitter. Criteria: Invitae Variant Classification Sherloc (09022015). Collection method: clinical testing. Allele origin: germline.
Comment: This sequence change replaces proline, which is neutral and non-polar, with serine, which is neutral and polar, at codon 109 of the COL9A2 protein (p.Pro109Ser). This variant is present in population databases (no rsID available, gnomAD 0.0009%). This variant has not been reported in the literature in individuals affected with COL9A2-related conditions. Invitae Evidence Modeling of protein sequence and biophysical properties (such as structural, functional, and spatial information, amino acid conservation, physicochemical variation, residue mobility, and thermodynamic stability) indicates that this missense variant is not expected to disrupt COL9A2 protein function with a negative predictive value of 95%. In summary, the available evidence is currently insufficient to determine the role of this variant in disease. Therefore, it has been classified as a Variant of Uncertain Significance.